The following is an entry in ClinVar:

NM_000535.7(PMS2):c.327del (p.Ala110fs)

Gene: PMS2 (PMS1 homolog 2, mismatch repair system component; minus strand). Cytogenetic location: 7p22.1.
Variant type: Deletion.
Coding change: c.327del on transcript NM_000535.7 (MANE Select); coding-DNA position 327, one base deleted (A; older notation c.327delA).
Protein change: p.Ala110fs; shifts the reading frame from alanine 110.
Molecular consequence: frameshift variant. On other transcripts: non-coding transcript variant (1), intron variant (2), 5 prime UTR variant (9).
Genome position (GRCh38, 1-based): chr7:6,003,716, T deleted on the plus strand (A on the coding strand, the reverse complement: PMS2 is on the minus strand); the first of 2 consecutive T bases (chr7:6,003,716-6,003,717); deleting either gives the same sequence. VCF-style (leftmost placement, unchanged base first): chr7-6003715-CT-C. GRCh37 (hg19) VCF-style: chr7-6043346-CT-C.
Other names: c.-80delA (NM_001406910.1, NM_001406911.1, NM_001018040.1 and 8 more transcripts); c.326delA, p.Ala110Leufs (NM_001406912.1, NM_001406869.1, NM_001406870.1 and 6 more transcripts); c.35+256del (NM_001322008.2, NM_001322007.2); c.-79del (NM_001322003.2, NM_001322004.2, NM_001322005.2 and 3 more transcripts); c.327del, p.Ala110fs (NM_001322006.2, NM_001322014.2); c.-558del (NM_001322011.2, NM_001322012.2); c.-158del (NM_001322015.2); c.512delA, p.Ala172Leufs (NM_001406866.1); and 4 more; short protein forms A110fs.
Identifiers: ClinVar variation 1729716 (VCV001729716.2), dbSNP rs2536495735, ClinGen allele CA2580077015.

ClinVar aggregate classification (germline): Pathogenic (1 of 4 stars; one submission).

Conditions:
Hereditary cancer-predisposing syndrome. Also called: Neoplastic Syndromes, Hereditary; Tumor predisposition; Hereditary Cancer Syndrome; Hereditary neoplastic syndrome. Identifiers: Orphanet 140162, MedGen C0027672, MeSH D009386, MONDO:0015356.

Submission:

Ambry Genetics
Classification: Pathogenic for Hereditary cancer-predisposing syndrome. Last evaluated: 2017-02-28. Review status: criteria provided, single submitter. Criteria: Ambry Variant Classification Scheme 2023. Collection method: clinical testing. Allele origin: germline.
Comment: The c.327delA pathogenic mutation, located in coding exon 4 of the PMS2 gene, results from a deletion of one nucleotide at nucleotide position 327, causing a translational frameshift with a predicted alternate stop codon (p.A110Lfs*2). This alteration is expected to result in loss of function by premature protein truncation or nonsense-mediated mRNA decay. As such, this alteration is interpreted as a disease-causing mutation.